The following is an entry in ClinVar:

ClinVar aggregate classification (germline): Likely benign (1 of 4 stars; one submission).

Submission:

CeGaT Center for Human Genetics Tuebingen
Classification: Likely benign. Last evaluated: 2026-05-01. Review status: criteria provided, single submitter. Criteria: CeGaT Center For Human Genetics Tuebingen Variant Classification Criteria Version 2. Collection method: clinical testing. Allele origin: germline. Affected: yes. Observed: 1 variant allele.
Comment: DCLRE1B: BP4, BP7

NM_022836.4(DCLRE1B):c.1398T>C (p.Gly466=)

Gene: DCLRE1B (DNA cross-link repair 1B; plus strand). Cytogenetic location: 1p13.2.
Variant type: single nucleotide variant.
Coding change: c.1398T>C on transcript NM_022836.4 (MANE Select); coding-DNA position 1398, T replaced by C.
Protein change: p.Gly466=; no amino-acid change (glycine 466 retained).
Molecular consequence: synonymous variant. On other transcripts: intron variant (2).
Genome position (GRCh38, 1-based): chr1:113,911,990, T>C. VCF-style: chr1-113911990-T-C. GRCh37 (hg19) VCF-style: chr1-114454612-T-C.
Other names: c.1020T>C, p.Gly340= (NM_001319946.2, NM_001319947.2); c.1247-142T>C (NM_001363690.2); c.869-142T>C (NM_001363691.2).
Identifiers: ClinVar variation 4872691 (VCV004872691.2).
Genomic context (GRCh38, chr1:113,911,990, plus strand): 5'-AACCAGGGAGGAAATTGGTTTAGGGTCCCCCTTGGTACCCATGGGAGATGATGATGGAGG[T>C]CCAGAAGCCACAGGGAATCAGAGTGCCTGGATGGGCCATGGTTCTCCCCTGTCCCACAGC-3'
Protein context (NP_073747.1, residues 456-476): PLVPMGDDDG[Gly466=]PEATGNQSAW